The following is an entry in ClinVar:

NM_005654.6(NR2F1):c.677T>C (p.Leu226Pro)

Gene: NR2F1 (nuclear receptor subfamily 2 group F member 1; plus strand). Cytogenetic location: 5q15.
Variant type: single nucleotide variant.
Coding change: c.677T>C on transcript NM_005654.6 (MANE Select); coding-DNA position 677, T replaced by C.
Protein change: p.Leu226Pro; replaces leucine 226 with proline.
Molecular consequence: missense variant.
Genome position (GRCh38, 1-based): chr5:93,588,130, T>C. VCF-style: chr5-93588130-T-C. GRCh37 (hg19) VCF-style: chr5-92923836-T-C.
Other names: c.227T>C, p.Leu76Pro (NM_001410754.1); short protein forms L226P, L76P.
Identifiers: ClinVar variation 3601969 (VCV003601969.1).
Genomic context (GRCh38, chr5:93,588,130, plus strand): 5'-AGTGCATGCAGCCCAACAACATTATGGGCATCGAGAACATCTGCGAGCTGGCCGCGCGCC[T>C]GCTCTTCAGCGCCGTCGAGTGGGCCCGCAACATCCCCTTCTTCCCGGATCTGCAGATCAC-3'
Protein context (NP_005645.1, residues 216-236): IENICELAAR[Leu226Pro]LFSAVEWARN

ClinVar aggregate classification (germline): Uncertain significance (1 of 4 stars; one submission).

Conditions:
Bosch-Boonstra-Schaaf optic atrophy syndrome (BBSOAS). Also called: NR2F1-Related Neurodevelopmental Disorder. Identifiers: Orphanet 401777, MedGen C3810363, MONDO:0014320, OMIM 615722.

Submission:

MVZ Medizinische Genetik Mainz
Classification: Uncertain significance for Bosch-Boonstra-Schaaf optic atrophy syndrome. Last evaluated: 2025-01-13. Review status: criteria provided, single submitter. Criteria: UK Practice Guidelines For Variant Classification V4 01 2020. Collection method: clinical testing. Allele origin: germline. Inheritance: Autosomal dominant inheritance. Affected: yes. Observed: 1 variant allele.
Comment: ACMG Criteria: PP3_MOD,PM2_SUP,PP2